The following is an entry in ClinVar:

ClinVar aggregate classification (germline): Uncertain significance (1 of 4 stars; one submission).

Conditions:
Hereditary cancer-predisposing syndrome. Also called: Tumor predisposition; Hereditary Cancer Syndrome; Hereditary neoplastic syndrome; Neoplastic Syndromes, Hereditary. Identifiers: Orphanet 140162, MedGen C0027672, MeSH D009386, MONDO:0015356.

gnomAD v4.1: 1 of 1,600,270 alleles (0.000062%); highest among the groups gnomAD compares: Admixed American, 0.0017%; no homozygotes.

Submission:

Ambry Genetics
Classification: Uncertain significance for Hereditary cancer-predisposing syndrome. Last evaluated: 2024-04-08. Review status: criteria provided, single submitter. Criteria: Ambry Variant Classification Scheme 2023. Collection method: clinical testing. Allele origin: germline.
Comment: The p.A165V variant (also known as c.494C>T), located in coding exon 5 of the EPCAM gene, results from a C to T substitution at nucleotide position 494. The alanine at codon 165 is replaced by valine, an amino acid with similar properties. This amino acid position is conserved. In addition, the in silico prediction for this alteration is inconclusive. Based on the available evidence, the clinical significance of this variant remains unclear.

NM_002354.3(EPCAM):c.494C>T (p.Ala165Val)

Gene: EPCAM (epithelial cell adhesion molecule; plus strand). Cytogenetic location: 2p21.
Variant type: single nucleotide variant.
Coding change: c.494C>T on transcript NM_002354.3 (MANE Select); coding-DNA position 494, C replaced by T.
Protein change: p.Ala165Val; replaces alanine 165 with valine.
Molecular consequence: missense variant.
Genome position (GRCh38, 1-based): chr2:47,377,016, C>T. VCF-style: chr2-47377016-C-T. GRCh37 (hg19) VCF-style: chr2-47604155-C-T.
Other names: short protein forms A165V.
Identifiers: ClinVar variation 3275832 (VCV003275832.1).